The following is an entry in ClinVar:

ClinVar aggregate classification (germline): Uncertain significance (1 of 4 stars; one submission).

Conditions:
Thrombocytopenia 1. Also called: THROMBOCYTOPENIA, X-LINKED, 1; X-Linked Thrombocytopenia (XLT); X-linked thrombocytopenia with normal platelets. Identifiers: Orphanet 268322, Orphanet 852, MedGen C1839163, MONDO:0010743, OMIM 313900.
Wiskott-Aldrich syndrome (WAS). Also called: ALDRICH SYNDROME; IMMUNODEFICIENCY 2; WISKOTT-ALDRICH SYNDROME 1; Wiskott-aldrich syndrome, somatic. Identifiers: Orphanet 906, MedGen C0043194, MONDO:0010518, OMIM 301000.
X-linked severe congenital neutropenia (SCNX). Identifiers: Orphanet 86788, MedGen C1845987, MONDO:0010294, OMIM 300299.

Submission:

Labcorp Genetics (formerly Invitae), Labcorp
Classification: Uncertain significance for Wiskott-Aldrich syndrome; X-linked severe congenital neutropenia; Thrombocytopenia 1. Last evaluated: 2023-10-13. Review status: criteria provided, single submitter. Criteria: Invitae Variant Classification Sherloc (09022015). Collection method: clinical testing. Allele origin: germline.
Comment: This sequence change replaces glycine, which is neutral and non-polar, with arginine, which is basic and polar, at codon 379 of the WAS protein (p.Gly379Arg). The frequency data for this variant in the population databases is considered unreliable, as metrics indicate poor data quality at this position in the gnomAD database. This variant has not been reported in the literature in individuals affected with WAS-related conditions. Advanced modeling of protein sequence and biophysical properties (such as structural, functional, and spatial information, amino acid conservation, physicochemical variation, residue mobility, and thermodynamic stability) performed at Invitae indicates that this missense variant is not expected to disrupt WAS protein function. In summary, the available evidence is currently insufficient to determine the role of this variant in disease. Therefore, it has been classified as a Variant of Uncertain Significance.

NM_000377.3(WAS):c.1135G>A (p.Gly379Arg)

Gene: WAS (WASP actin nucleation promoting factor; plus strand). Cytogenetic location: Xp11.23.
Variant type: single nucleotide variant.
Coding change: c.1135G>A on transcript NM_000377.3 (MANE Select); coding-DNA position 1135, G replaced by A.
Protein change: p.Gly379Arg; replaces glycine 379 with arginine.
Molecular consequence: missense variant.
Genome position (GRCh38, 1-based): chrX:48,688,863, G>A. VCF-style: chrX-48688863-G-A. GRCh37 (hg19) VCF-style: chrX-48547252-G-A.
Other names: short protein forms G379R.
Identifiers: ClinVar variation 2944661 (VCV002944661.3), dbSNP rs1557007233, ClinGen allele CA412873355.
Genomic context (GRCh38, chrX:48,688,863, plus strand): 5'-CCCCCACCCCCAGGCCGAGGGGGCCCTCCACCACCACCCCCTCCAGCTACTGGACGTTCT[G>A]GACCACTGCCCCCTCCACCCCCTGGAGCTGGTGGGCCACCCATGCCACCACCACCGCCAC-3'
Protein context (NP_000368.1, residues 369-389): PPPPPATGRS[Gly379Arg]PLPPPPPGAG